The following is an entry in ClinVar:

ClinVar aggregate classification (germline): Uncertain significance. Review status: criteria provided, multiple submitters, no conflicts (2 of 4 stars). 2 submissions from 2 submitters: Uncertain significance (2). Last evaluated 2025-04-25.

Conditions:
Inborn genetic diseases. Identifiers: MedGen C0950123, MeSH D030342.

Allele frequency attached by ClinVar (database versions not stated): gnomAD exomes 0.00002; gnomAD 0.00003; TOPMed 0.00002; 1000 Genomes Project 0.00020; 1000 Genomes Project 30x 0.00031; ExAC 0.00007.
gnomAD v4.1: 29 of 1,614,244 alleles (0.0018%); highest among the groups gnomAD compares: East Asian, 0.06%; no homozygotes.

Submissions (2):

Ambry Genetics
Classification: Uncertain significance for Inborn genetic diseases. Last evaluated: 2025-04-25. Review status: criteria provided, single submitter. Criteria: Ambry Variant Classification Scheme 2023. Collection method: clinical testing. Allele origin: germline.

Labcorp Genetics (formerly Invitae), Labcorp
Classification: Uncertain significance. Last evaluated: 2022-08-16. Review status: criteria provided, single submitter. Criteria: Invitae Variant Classification Sherloc (09022015). Collection method: clinical testing. Allele origin: germline.
Comment: This sequence change replaces isoleucine, which is neutral and non-polar, with valine, which is neutral and non-polar, at codon 183 of the PROSC protein (p.Ile183Val). This variant is present in population databases (rs553228499, gnomAD 0.09%). This variant has not been reported in the literature in individuals affected with PROSC-related conditions. Algorithms developed to predict the effect of missense changes on protein structure and function (SIFT, PolyPhen-2, Align-GVGD) all suggest that this variant is likely to be disruptive. Algorithms developed to predict the effect of sequence changes on RNA splicing suggest that this variant may create or strengthen a splice site. In summary, the available evidence is currently insufficient to determine the role of this variant in disease. Therefore, it has been classified as a Variant of Uncertain Significance.

NM_007198.4(PLPBP):c.547A>G (p.Ile183Val)

Gene: PLPBP (pyridoxal phosphate binding protein; plus strand). Cytogenetic location: 8p11.23.
Variant type: single nucleotide variant.
Coding change: c.547A>G on transcript NM_007198.4 (MANE Select); coding-DNA position 547, A replaced by G.
Protein change: p.Ile183Val; replaces isoleucine 183 with valine.
Molecular consequence: missense variant.
Genome position (GRCh38, 1-based): chr8:37,775,431, A>G. VCF-style: chr8-37775431-A-G. GRCh37 (hg19) VCF-style: chr8-37632949-A-G.
Other names: c.577A>G, p.Ile193Val (NM_001349346.2); c.541A>G, p.Ile181Val (NM_001349347.2); c.391A>G, p.Ile131Val (NM_001349348.2); c.547A>G (NM_007198.3); short protein forms I131V, I181V, I183V, I193V.
Identifiers: ClinVar variation 1909362 (VCV001909362.3), dbSNP rs553228499, ClinGen allele CA4711267.
Genomic context (GRCh38, chr8:37,775,431, plus strand): 5'-GCCATCGTGGAGCACATAAACGCCAAGTGTCCTAACCTGGAGTTTGTGGGGCTGATGACC[A>G]TAGGAAGCTTTGGGCATGATCTTAGTCAAGGACCAAATCCAGACTTCCAGGTACTGGGGG-3'
Protein context (NP_009129.1, residues 173-193): PNLEFVGLMT[Ile183Val]GSFGHDLSQG